The following is an entry in ClinVar:

ClinVar aggregate classification (germline): Likely pathogenic (1 of 4 stars; one submission).

Conditions:
Epidermolysis bullosa dystrophica. Also called: Dystrophic epidermolysis bullosa, Hallopeau-Siemens type (formerly); Dystrophic epidermolysis bullosa. Identifiers: Orphanet 303, MedGen C0079294, MONDO:0006543.

Submission:

Natera, Inc.
Classification: Likely pathogenic for Dystrophic epidermolysis bullosa. Last evaluated: 2026-01-26. Review status: criteria provided, single submitter. Criteria: Natera Variant Classification Schema (03/2026). Collection method: clinical testing. Allele origin: germline.
Comment: The c.6507dup variant in COL7A1 is a frameshift variant predicted to shift the reading frame beginning at codon 2170 and leads to a stop codon 120 codons downstream. This variant is expected to result in nonsense mediated decay, truncation, or a dysfunctional protein product. This variant is rare in the general population with a frequency below the threshold expected for the associated phenotype(s). Given the available evidence, this variant is classified as Likely Pathogenic.

NM_000094.4(COL7A1):c.6507dup (p.Gln2170fs)

Gene: COL7A1 (collagen type VII alpha 1 chain; minus strand). Cytogenetic location: 3p21.31.
Variant type: Duplication.
Coding change: c.6507dup on transcript NM_000094.4 (MANE Select); coding-DNA position 6507, one base duplicated (G; older notation c.6507dupG).
Protein change: p.Gln2170fs; shifts the reading frame from glutamine 2170.
Molecular consequence: frameshift variant.
Genome position (GRCh38, 1-based): chr3:48,573,885, C duplicated on the plus strand (G on the coding strand, the reverse complement: COL7A1 is on the minus strand). VCF-style (leftmost placement, unchanged base first): chr3-48573884-G-GC. GRCh37 (hg19) VCF-style: chr3-48611317-G-GC.
Other names: short protein forms Q2170fs.
Identifiers: ClinVar variation 4817392 (VCV004817392.1).
Genomic context (GRCh38, chr3:48,573,884, plus strand): 5'-GCAAGACAGGTGAAGGTTCTTGGGTACTCACCACTGGGCCAGGGGGGCCTCTTGGACCCT[G>GC]CAGACCCTACATAGAGAGGGCACTGATGAGCCTCAATCTGGGCCTCACTTGGGCCTGTTC-3'